The following is an entry in ClinVar:

GRCh37/hg19 5q31.3(chr5:140060429-140070831)x1

Gene: HARS1 (histidyl-tRNA synthetase 1; minus strand). Cytogenetic location: 5q31.3.
Variant type: copy number loss.
Change: copy number 1 (one copy instead of two) of chr5:140,060,429-140,070,831 (10.4 kb, GRCh37 coordinates, 1-based), cytogenetic band 5q31.3.
Identifiers: ClinVar variation 988916 (VCV000988916.4).

ClinVar aggregate classification (germline): Uncertain significance (1 of 4 stars; one submission).

Submission:

Illumina Laboratory Services, Illumina
Classification: Uncertain significance. Last evaluated: 2020-11-09. Review status: criteria provided, single submitter. Criteria: ICSL CNVClassificationCriteria Aug2020. Collection method: clinical testing. Allele origin: unknown.
Comment: This CNV is a 10 kb deletion of 5q31.3 on chromosome 5, (seq[GRCh37]del(5)(q31.3); chr5:g.140060429_140070831del), of unknown inheritance. This CNV constitutes a loss encompassing part of the exon 1 and exons 2-3 of the HARS1 gene that is predicted to disrupt the reading frame. The breakpoints lie within the first exon and intron 3 of the HARS1 gene. This CNV has not been reported in cases or controls 24174537 . The deletion results in loss of WHEP-TRS domain (Royer-Bertrand et al. 2019). Based on the limited evidence, this CNV is classified as a variant of uncertain significance.

Literature cited by the submitters: PubMed 24174537; PubMed 31211171.